The following is an entry in ClinVar:

ClinVar aggregate classification (germline): Uncertain significance. Review status: criteria provided, single submitter (1 of 4 stars). 2 submissions from 2 submitters: Uncertain significance (1). 1 of the submissions does not count toward it. Last evaluated 2024-11-05.

Conditions:
Hyperparathyroidism, transient neonatal. Identifiers: MedGen C1300287, MONDO:0032591, OMIM 618188.

Allele frequency attached by ClinVar (database versions not stated): gnomAD exomes below 0.00001; ExAC 0.00001; TOPMed 0.00001.
gnomAD v4.1: 6 of 1,614,128 alleles (0.00037%); highest among the groups gnomAD compares: Non-Finnish European, 0.00017%; no homozygotes.

Submissions (2):

Labcorp Genetics (formerly Invitae), Labcorp
Classification: Uncertain significance. Last evaluated: 2024-11-05. Review status: criteria provided, single submitter. Criteria: Invitae Variant Classification Sherloc (09022015). Collection method: clinical testing. Allele origin: germline.
Comment: This sequence change replaces aspartic acid, which is acidic and polar, with asparagine, which is neutral and polar, at codon 582 of the TRPV6 protein (p.Asp582Asn). This variant is present in population databases (rs745903672, gnomAD 0.01%). This variant has not been reported in the literature in individuals affected with TRPV6-related conditions. ClinVar contains an entry for this variant (Variation ID: 992367). Experimental studies and prediction algorithms are not available or were not evaluated, and the functional significance of this variant is currently unknown. In summary, the available evidence is currently insufficient to determine the role of this variant in disease. Therefore, it has been classified as a Variant of Uncertain Significance.

Bioscientia Institut fuer Medizinische Diagnostik GmbH, Sonic Healthcare
Classification: Uncertain significance for Hyperparathyroidism, transient neonatal. Last evaluated: 2020-06-16. Review status: no assertion criteria provided. Collection method: clinical testing. Allele origin: germline. Affected: yes. Not counted in ClinVar's aggregate classification.

NM_018646.6(TRPV6):c.1744G>A (p.Asp582Asn)

Gene: TRPV6 (transient receptor potential cation channel subfamily V member 6; minus strand). Cytogenetic location: 7q34.
Variant type: single nucleotide variant.
Coding change: c.1744G>A on transcript NM_018646.6 (MANE Select); coding-DNA position 1744, G replaced by A.
Protein change: p.Asp582Asn; replaces aspartic acid 582 with asparagine.
Molecular consequence: missense variant.
Genome position (GRCh38, 1-based): chr7:142,873,612, C>T on the plus strand (G>A on the coding strand, the complement: TRPV6 is on the minus strand). VCF-style: chr7-142873612-C-T. GRCh37 (hg19) VCF-style: chr7-142571365-C-T.
Other names: short protein forms D582N.
Identifiers: ClinVar variation 992367 (VCV000992367.4), dbSNP rs745903672, ClinGen allele CA4532417.